The following is an entry in ClinVar:

ClinVar aggregate classification (germline): Uncertain significance (1 of 4 stars; one submission).

Submission:

GeneDx
Classification: Uncertain significance. Last evaluated: 2025-07-02. Review status: criteria provided, single submitter. Criteria: GeneDx Variant Classification Process June 2021. Collection method: clinical testing. Allele origin: germline. Affected: yes.
Comment: Not observed at significant frequency in large population cohorts (gnomAD); In silico analysis suggests that this variant does not alter splicing; This variant is associated with the following publications: (PMID: 34515852)

NM_000441.2(SLC26A4):c.2089+4A>G

Gene: SLC26A4 (solute carrier family 26 member 4; plus strand). Cytogenetic location: 7q22.3.
Variant type: single nucleotide variant.
Coding change: c.2089+4A>G on transcript NM_000441.2 (MANE Select); 4 bases into the intron after coding-DNA position 2089, A replaced by G.
Molecular consequence: intron variant.
Genome position (GRCh38, 1-based): chr7:107,704,389, A>G. VCF-style: chr7-107704389-A-G. GRCh37 (hg19) VCF-style: chr7-107344834-A-G.
Identifiers: ClinVar variation 1312473 (VCV001312473.3), dbSNP rs778518135, ClinGen allele CA2573052792.
Genomic context (GRCh38, chr7:107,704,389, plus strand): 5'-AGATTGTCAAAGAATTCCAAAGAATTGATGTGAATGTGTATTTTGCATCACTTCAAGGTA[A>G]ATACATATATCTACATATCTACCTGTAAGACTTTCCCGTAAGCCCTTTCTCCTATCTGGG-3'